The following is an entry in ClinVar:

NM_016529.6(ATP8A2):c.3415C>G (p.Arg1139Gly)

Gene: ATP8A2 (ATPase phospholipid transporting 8A2). Cytogenetic location: 13q12.13.
Variant type: single nucleotide variant.
Coding change: c.3415C>G on transcript NM_016529.6 (MANE Select); coding-DNA position 3415, C replaced by G.
Protein change: p.Arg1139Gly; replaces arginine 1139 with glycine.
Molecular consequence: missense variant.
Genome position (GRCh38, 1-based): chr13:26,012,568, C>G. VCF-style: chr13-26012568-C-G. GRCh37 (hg19) VCF-style: chr13-26586706-C-G.
Other names: c.3220C>G, p.Arg1074Gly (NM_001313741.1); short protein forms R1074G, R1139G.
Identifiers: ClinVar variation 1431468 (VCV001431468.27), dbSNP rs1021487437, ClinGen allele CA247152064.

ClinVar aggregate classification (germline): Uncertain significance. Review status: criteria provided, multiple submitters, no conflicts (2 of 4 stars). 2 submissions from 2 submitters: Uncertain significance (2). Last evaluated 2024-02-01.

Allele frequency attached by ClinVar (database versions not stated): gnomAD 0.00002; gnomAD exomes 0.00002 and 0.00012; TOPMed 0.00003.
gnomAD v4.1: 31 of 1,531,704 alleles (0.002%); highest among the groups gnomAD compares: Admixed American, 0.025%; no homozygotes.

Submissions (2):

CeGaT Center for Human Genetics Tuebingen
Classification: Uncertain significance. Last evaluated: 2024-02-01. Review status: criteria provided, single submitter. Criteria: CeGaT Center For Human Genetics Tuebingen Variant Classification Criteria Version 2. Collection method: clinical testing. Allele origin: germline. Affected: yes. Observed: 1 variant allele.
Comment: ATP8A2: PM2, PP2, BP4

Labcorp Genetics (formerly Invitae), Labcorp
Classification: Uncertain significance. Last evaluated: 2021-12-13. Review status: criteria provided, single submitter. Criteria: Invitae Variant Classification Sherloc (09022015). Collection method: clinical testing. Allele origin: germline.
Comment: This sequence change replaces arginine, which is basic and polar, with glycine, which is neutral and non-polar, at codon 1139 of the ATP8A2 protein (p.Arg1139Gly). This variant is present in population databases (no rsID available, gnomAD 0.05%). This variant has not been reported in the literature in individuals affected with ATP8A2-related conditions. Algorithms developed to predict the effect of missense changes on protein structure and function (SIFT, PolyPhen-2, Align-GVGD) all suggest that this variant is likely to be tolerated. In summary, the available evidence is currently insufficient to determine the role of this variant in disease. Therefore, it has been classified as a Variant of Uncertain Significance.